The following is an entry in ClinVar:

ClinVar aggregate classification (germline): Benign/Likely benign. Review status: criteria provided, multiple submitters, no conflicts (2 of 4 stars). 12 submissions from 12 submitters: Benign (7); Likely benign (4). 1 of the submissions does not count toward it. Last evaluated 2026-02-03.

Conditions:
Inborn genetic diseases. Identifiers: MedGen C0950123, MeSH D030342.
Pitt-Hopkins-like syndrome 2 (PTHSL2). Identifiers: Orphanet 221150, Orphanet 600663, MedGen C3280479, MONDO:0013690, OMIM 614325.
NRXN1-related disorder.

Allele frequency attached by ClinVar (database versions not stated): ESP Exome Variant Server 0.00277; gnomAD 0.00316 and 0.00323; gnomAD exomes 0.00342 and 0.00373; 1000 Genomes Project 30x 0.00141; 1000 Genomes Project 0.00140; TOPMed 0.00197; ExAC 0.00369.
gnomAD v4.1: 5,479 of 1,609,946 alleles (0.34%); highest among the groups gnomAD compares: Non-Finnish European, 0.31%; 25 homozygotes.

Submissions (12):

Labcorp Genetics (formerly Invitae), Labcorp
Classification: Benign for Pitt-Hopkins-like syndrome 2. Last evaluated: 2026-02-03. Review status: criteria provided, single submitter. Criteria: Invitae Variant Classification Sherloc (09022015). Collection method: clinical testing. Allele origin: germline.

CeGaT Center for Human Genetics Tuebingen
Classification: Likely benign. Last evaluated: 2024-11-01. Review status: criteria provided, single submitter. Criteria: CeGaT Center For Human Genetics Tuebingen Variant Classification Criteria Version 2. Collection method: clinical testing. Allele origin: germline. Affected: yes. Observed: 7 variant alleles.
Comment: NRXN1: BS2

Athena Diagnostics
Classification: Benign. Last evaluated: 2024-05-03. Review status: criteria provided, single submitter. Criteria: Athena Diagnostics Criteria. Collection method: clinical testing. Allele origin: unknown.

Mayo Clinic Laboratories, Mayo Clinic
Classification: Benign. Last evaluated: 2024-03-06. Review status: criteria provided, single submitter. Criteria: ACMG Guidelines, 2015. Collection method: clinical testing. Allele origin: germline. Observed: 2 variant alleles.
Comment: BS1, BS2

ARUP Laboratories, Molecular Genetics and Genomics, ARUP Laboratories
Classification: Benign. Last evaluated: 2023-11-14. Review status: criteria provided, single submitter. Criteria: ARUP Molecular Germline Variant Investigation Process 2024. Collection method: clinical testing. Allele origin: germline.

Ambry Genetics
Classification: Likely benign for Inborn genetic diseases. Last evaluated: 2018-06-20. Review status: criteria provided, single submitter. Criteria: Ambry Variant Classification Scheme 2023. Collection method: clinical testing. Allele origin: germline.

Illumina Laboratory Services, Illumina
Classification: Benign for Pitt-Hopkins-like syndrome 2. Last evaluated: 2017-04-27. Review status: criteria provided, single submitter. Criteria: ICSL Variant Classification Criteria 13 December 2019. Collection method: clinical testing. Allele origin: germline.
Comment: This variant was observed as part of a predisposition screen in an ostensibly healthy population. A literature search was performed for the gene, cDNA change, and amino acid change (where applicable). No publications were found based on this search. Allele frequency data from public databases was too high to be consistent with this variant causing disease. Therefore, this variant is classified as benign.

GeneDx
Classification: Benign. Last evaluated: 2016-12-19. Review status: criteria provided, single submitter. Criteria: GeneDx Variant Classification (06012015). Collection method: clinical testing. Allele origin: germline. Affected: yes.
Comment: This variant is considered likely benign or benign based on one or more of the following criteria: it is a conservative change, it occurs at a poorly conserved position in the protein, it is predicted to be benign by multiple in silico algorithms, and/or has population frequency not consistent with disease.

HudsonAlpha Institute for Biotechnology
Classification: Likely benign for Pitt-Hopkins-like syndrome 2. Last evaluated: 2016-07-14. Review status: criteria provided, single submitter. Criteria: HA_assertions_20161101. Collection method: research. Allele origin: paternal. Affected: no. Observed: 1 variant allele. Study: CSER-HudsonAlpha.

Genetic Services Laboratory, University of Chicago
Classification: Likely benign. Last evaluated: 2015-06-11. Review status: criteria provided, single submitter. Criteria: ACMG Guidelines, 2015. Collection method: clinical testing. Allele origin: germline.

Eurofins Ntd Llc (ga)
Classification: Benign. Last evaluated: 2015-02-17. Review status: criteria provided, single submitter. Criteria: EGL Classification Definitions 2015. Collection method: clinical testing. Allele origin: germline. Observed: 7 variant alleles, 7 heterozygotes.

PreventionGenetics, part of Exact Sciences
Classification: Benign for NRXN1-related condition. Last evaluated: 2019-06-06. Review status: no assertion criteria provided. Collection method: clinical testing. Allele origin: germline. Not counted in ClinVar's aggregate classification.
Comment: This variant is classified as benign based on ACMG/AMP sequence variant interpretation guidelines (Richards et al. 2015 PMID: 25741868, with internal and published modifications).

Literature cited by the submitters: PubMed 28343708 (cited by Athena Diagnostics and Mayo Clinic Laboratories, Mayo Clinic); PubMed 23863341 (cited by Athena Diagnostics); PubMed 21288692 (cited by Mayo Clinic Laboratories, Mayo Clinic); PubMed 33262327 (cited by Mayo Clinic Laboratories, Mayo Clinic); PubMed 34168285 (cited by Mayo Clinic Laboratories, Mayo Clinic).

NM_001330078.2(NRXN1):c.1285C>T (p.Pro429Ser)

Gene: NRXN1 (neurexin 1; minus strand). Cytogenetic location: 2p16.3.
Variant type: single nucleotide variant.
Coding change: c.1285C>T on transcript NM_001330078.2 (MANE Select); coding-DNA position 1285, C replaced by T.
Protein change: p.Pro429Ser; replaces proline 429 with serine.
Molecular consequence: missense variant.
Genome position (GRCh38, 1-based): chr2:50,620,057, G>A on the plus strand (C>T on the coding strand, the complement: NRXN1 is on the minus strand). VCF-style: chr2-50620057-G-A. GRCh37 (hg19) VCF-style: chr2-50847195-G-A.
Other names: p.P469S:CCA>TCA; c.1405C>T, p.Pro469Ser (NM_001135659.3); c.1261C>T, p.Pro421Ser (NM_001330077.2, NM_001330082.2, NM_001330095.2); c.1246C>T, p.Pro416Ser (NM_001330083.2, NM_001330084.2); c.1285C>T, p.Pro429Ser (NM_001330085.2, NM_001330086.2, NM_004801.6); c.1201C>T, p.Pro401Ser (NM_001330087.2, NM_001330096.2); c.1231C>T, p.Pro411Ser (NM_001330088.2); c.1282C>T, p.Pro428Ser (NM_001330093.2); and 2 more; short protein forms P469S, P421S, P428S, P411S, P429S, P401S, P416S, P425S.
Identifiers: ClinVar variation 93585 (VCV000093585.55), dbSNP rs78540316, ClinGen allele CA285439.